The following is an entry in ClinVar:

NM_000059.4(BRCA2):c.143A>G (p.Glu48Gly)

Gene: BRCA2 (BRCA2 DNA repair associated; plus strand). Cytogenetic location: 13q13.1.
Variant type: single nucleotide variant.
Coding change: c.143A>G on transcript NM_000059.4 (MANE Select); coding-DNA position 143, A replaced by G.
Protein change: p.Glu48Gly; replaces glutamic acid 48 with glycine.
Molecular consequence: missense variant.
Genome position (GRCh38, 1-based): chr13:32,319,152, A>G. VCF-style: chr13-32319152-A-G. GRCh37 (hg19) VCF-style: chr13-32893289-A-G.
Other names: short protein forms E48G.
Identifiers: ClinVar variation 819217 (VCV000819217.11), dbSNP rs1478651557, ClinGen allele CA387754267.

ClinVar aggregate classification (germline): Uncertain significance. Review status: criteria provided, multiple submitters, no conflicts (2 of 4 stars). 3 submissions from 3 submitters: Uncertain significance (3). Last evaluated 2025-10-13.

Conditions:
Hereditary cancer-predisposing syndrome. Also called: Tumor predisposition; Hereditary neoplastic syndrome; Neoplastic Syndromes, Hereditary; Hereditary Cancer Syndrome. Identifiers: Orphanet 140162, MedGen C0027672, MeSH D009386, MONDO:0015356.
Hereditary breast ovarian cancer syndrome. Also called: Hereditary breast and ovarian cancer syndrome (HBOC); Breast and ovarian cancer; BRCA1- and BRCA2-Associated Hereditary Breast and Ovarian Cancer; Hereditary breast and/or ovarian cancer syndrome; Hereditary breast and ovarian cancer syndrome; Hereditary breast and ovarian cancer. Identifiers: Orphanet 145, MedGen C0677776, MeSH D061325, MONDO:0003582. Disease mechanism: loss of function.

Submissions (3):

Color Diagnostics, LLC DBA Color Health
Classification: Uncertain significance for Hereditary cancer-predisposing syndrome. Last evaluated: 2025-10-13. Review status: criteria provided, single submitter. Criteria: ACMG Guidelines, 2015. Collection method: clinical testing. Allele origin: germline.
Comment: This missense variant replaces glutamic acid with glycine at codon 48 of the BRCA2 protein. Computational prediction suggests that this variant may not impact protein structure and function. RNA studies reported that this variant does not significantly impact splicing (PMID: 30883759, 32641407). To our knowledge, functional studies have not been reported for this variant. This variant has not been reported in individuals affected with BRCA2-related disorders in the literature. This variant has not been identified in the general population by the Genome Aggregation Database (gnomAD). The available evidence is insufficient to determine the role of this variant in disease conclusively. Therefore, this variant is classified as a Variant of Uncertain Significance.

Ambry Genetics
Classification: Uncertain significance for Hereditary cancer-predisposing syndrome. Last evaluated: 2024-03-22. Review status: criteria provided, single submitter. Criteria: Ambry Variant Classification Scheme 2023. Collection method: clinical testing. Allele origin: germline.
Comment: The p.E48G variant (also known as c.143A>G), located in coding exon 2 of the BRCA2 gene, results from an A to G substitution at nucleotide position 143. The glutamic acid at codon 48 is replaced by glycine, an amino acid with similar properties. A minigene assay demonstrated that this alteration results in skipping of coding exon 2 in 26.9% of transcripts (Fraile-Bethencourt E et al. J Pathol, 2019 08;248:409-420). This amino acid position is well conserved in available vertebrate species. In addition, this alteration is predicted to be tolerated by in silico analysis. Since supporting evidence is limited at this time, the clinical significance of this alteration remains unclear.

Labcorp Genetics (formerly Invitae), Labcorp
Classification: Uncertain significance for Hereditary breast ovarian cancer syndrome. Last evaluated: 2021-10-18. Review status: criteria provided, single submitter. Criteria: Invitae Variant Classification Sherloc (09022015). Collection method: clinical testing. Allele origin: germline.
Comment: RNA analysis indicates that this missense change does not impact mRNA splicing (PMID: 30883759, 32641407). Algorithms developed to predict the effect of missense changes on protein structure and function are either unavailable or do not agree on the potential impact of this missense change (SIFT: "Tolerated"; PolyPhen-2: "Possibly Damaging"; Align-GVGD: "Class C0"). ClinVar contains an entry for this variant (Variation ID: 819217). This variant has not been reported in the literature in individuals affected with BRCA2-related conditions. This variant is not present in population databases (ExAC no frequency). This sequence change replaces glutamic acid with glycine at codon 48 of the BRCA2 protein (p.Glu48Gly). The glutamic acid residue is moderately conserved and there is a moderate physicochemical difference between glutamic acid and glycine. In summary, the available evidence is currently insufficient to determine the role of this variant in disease. Therefore, it has been classified as a Variant of Uncertain Significance.

Literature cited by the submitters: PubMed 30883759 (cited by 3 submitters); PubMed 32641407 (cited by Color Diagnostics, LLC DBA Color Health and Labcorp Genetics (formerly Invitae), Labcorp).